The following is an entry in ClinVar:

NM_001320752.2(STS):c.1108G>T (p.Gly370Cys)

Gene: STS (steroid sulfatase; plus strand). Cytogenetic location: Xp22.31.
Variant type: single nucleotide variant.
Coding change: c.1108G>T on transcript NM_001320752.2 (MANE Select); coding-DNA position 1108, G replaced by T.
Protein change: p.Gly370Cys; replaces glycine 370 with cysteine.
Molecular consequence: missense variant.
Genome position (GRCh38, 1-based): chrX:7,325,365, G>T. VCF-style: chrX-7325365-G-T. GRCh37 (hg19) VCF-style: chrX-7243406-G-T.
Other names: c.1108G>T, p.Gly370Cys (NM_000351.7, NM_001320753.2, NM_001320754.2); c.1144G>T, p.Gly382Cys (NM_001320750.3, NM_001320751.2); short protein forms G370C, G382C.
Identifiers: ClinVar variation 1803158 (VCV001803158.1), dbSNP rs1927377513, ClinGen allele CA412022375.

ClinVar aggregate classification (germline): Likely pathogenic (1 of 4 stars; one submission).

Conditions:
X-linked ichthyosis with steryl-sulfatase deficiency (XLI). Also called: Ichthyosis, X-Linked; Recessive X-linked ichthyosis; PLACENTAL STEROID SULFATASE DEFICIENCY; STEROID SULFATASE DEFICIENCY; STEROID SULFATASE DEFICIENCY DISEASE; STS DEFICIENCY. Identifiers: Orphanet 461, MedGen C0079588, MONDO:0010622, OMIM 308100.

Allele frequency attached by ClinVar (database versions not stated): gnomAD 0.00001.
gnomAD v4.1: 2 of 1,209,488 alleles (0.00017%); highest among the groups gnomAD compares: African/African-American, 0.0018%; no homozygotes.

Submission:

Genetics and Molecular Pathology, SA Pathology
Classification: Likely pathogenic for X-linked ichthyosis with steryl-sulfatase deficiency. Last evaluated: 2021-07-26. Review status: criteria provided, single submitter. Criteria: ACMG Guidelines, 2015. Collection method: clinical testing. Allele origin: germline. Inheritance: X-linked recessive inheritance. Affected: yes.
Comment: The STS c.1123G>T variant is classified as a Likely Pathogenic variant (PM1_supporting, PM2, PM5_supporting, PP3, PP4) This variant is a single nucleotide change from guanine to thymidine at position 1123 which is predicted to change the Glycine at position 375 in the protein to Cystein. The variant is in exon 8 and is located in protein domains: Sulfatase and alkaline-phosphatase-like core domain, of the STS gene. Multiple missense variants in nearby residues have been reported in the ClinVar and HGMD disease databases in association with ichthyosis, supporting the functional importance of this region of the protein (PM1_supporting). The variant has not been reported in dbSNP and is absent from population databases (PM2). The variant has not been reported in the ClinVar or HGMD disease databases. This is a novel missense variant at an amino acid residue where a different missense change determined to be Likely Pathogenic has been previously reported (p.Gly375Ala, ClinVar Variation ID: #450562) (PM5_supporting). Computational predictions support the deleterious effect on the gene product (PP3). The patient's phenotype is highly specific for X-linked ichthyosis with a single genetic etiology (PP4).